The following is an entry in ClinVar:

NM_177438.3(DICER1):c.5539G>A (p.Ala1847Thr)

Gene: DICER1 (dicer 1, ribonuclease III; minus strand). Cytogenetic location: 14q32.13.
Variant type: single nucleotide variant.
Coding change: c.5539G>A on transcript NM_177438.3 (MANE Select); coding-DNA position 5539, G replaced by A.
Protein change: p.Ala1847Thr; replaces alanine 1847 with threonine.
Molecular consequence: missense variant. On other transcripts: synonymous variant (1).
Genome position (GRCh38, 1-based): chr14:95,091,098, C>T on the plus strand (G>A on the coding strand, the complement: DICER1 is on the minus strand). VCF-style: chr14-95091098-C-T. GRCh37 (hg19) VCF-style: chr14-95557435-C-T.
Other names: c.5376G>A, p.Leu1792= (NM_001195573.1); c.5539G>A, p.Ala1847Thr (NM_001271282.3, NM_001291628.2, NM_030621.4); short protein forms A1847T.
Identifiers: ClinVar variation 940804 (VCV000940804.11), dbSNP rs1412433775, ClinGen allele CA390864384.
Genomic context (GRCh38, chr14:95,091,098, plus strand): 5'-ATTTGGCAGTTTCTGGTTCCATTTCAAGCAATTCTCGCACAGGGGAACGGGGTACATTTG[C>T]AGAAAACTTTTCTGCAATCAAAATGAAAGAATAATATGAATAATATCTCTGAAGTTGTTT-3'
Protein context (NP_803187.1, residues 1837-1857): MMRPLIEKFS[Ala1847Thr]NVPRSPVREL

ClinVar aggregate classification (germline): Uncertain significance (1 of 4 stars; one submission).

Conditions:
DICER1-related tumor predisposition. Also called: DICER1 syndrome; DICER1-related pleuropulmonary blastoma cancer predisposition syndrome. Identifiers: Orphanet 284343, MedGen C3839822, MONDO:0100216.

Allele frequency attached by ClinVar (database versions not stated): TOPMed below 0.00001; gnomAD 0.00001.

Submission:

Labcorp Genetics (formerly Invitae), Labcorp
Classification: Uncertain significance for DICER1-related tumor predisposition. Last evaluated: 2019-06-19. Review status: criteria provided, single submitter. Criteria: Invitae Variant Classification Sherloc (09022015). Collection method: clinical testing. Allele origin: germline.
Comment: Algorithms developed to predict the effect of missense changes on protein structure and function (SIFT, PolyPhen-2, Align-GVGD) all suggest that this variant is likely to be tolerated, but these predictions have not been confirmed by published functional studies and their clinical significance is uncertain. This sequence change replaces alanine with threonine at codon 1847 of the DICER1 protein (p.Ala1847Thr). The alanine residue is highly conserved and there is a small physicochemical difference between alanine and threonine. This variant is not present in population databases (ExAC no frequency). This variant has not been reported in the literature in individuals with DICER1-related conditions. In summary, the available evidence is currently insufficient to determine the role of this variant in disease. Therefore, it has been classified as a Variant of Uncertain Significance.